The following is an entry in ClinVar:

ClinVar aggregate classification (germline): Uncertain significance (1 of 4 stars; one submission).

Conditions:
Congenital contractural arachnodactyly (CCA). Also called: Arthrogryposis, distal, type 9; BEALS SYNDROME; Beals-Hecht syndrome. Identifiers: Orphanet 115, MedGen C0220668, MONDO:0007363, OMIM 121050.

gnomAD v4.1: 1 of 1,585,488 alleles (0.000063%); highest among the groups gnomAD compares: Non-Finnish European, 0.000086%; no homozygotes.

Submission:

Labcorp Genetics (formerly Invitae), Labcorp
Classification: Uncertain significance for Congenital contractural arachnodactyly. Last evaluated: 2020-01-18. Review status: criteria provided, single submitter. Criteria: Invitae Variant Classification Sherloc (09022015). Collection method: clinical testing. Allele origin: germline.
Comment: In summary, the available evidence is currently insufficient to determine the role of this variant in disease. Therefore, it has been classified as a Variant of Uncertain Significance. Algorithms developed to predict the effect of missense changes on protein structure and function are either unavailable or do not agree on the potential impact of this missense change (SIFT: "Tolerated"; PolyPhen-2: "Not Available"; Align-GVGD: "Class C0"). This variant has not been reported in the literature in individuals with FBN2-related conditions. This variant is not present in population databases (ExAC no frequency). This sequence change replaces glycine with aspartic acid at codon 25 of the FBN2 protein (p.Gly25Asp). The glycine residue is highly conserved and there is a moderate physicochemical difference between glycine and aspartic acid.

NM_001999.4(FBN2):c.74G>A (p.Gly25Asp)

Gene: FBN2 (fibrillin 2; minus strand). Cytogenetic location: 5q23.3.
Variant type: single nucleotide variant.
Coding change: c.74G>A on transcript NM_001999.4 (MANE Select); coding-DNA position 74, G replaced by A.
Protein change: p.Gly25Asp; replaces glycine 25 with aspartic acid.
Molecular consequence: missense variant.
Genome position (GRCh38, 1-based): chr5:128,537,530, C>T on the plus strand (G>A on the coding strand, the complement: FBN2 is on the minus strand). VCF-style: chr5-128537530-C-T. GRCh37 (hg19) VCF-style: chr5-127873223-C-T.
Other names: short protein forms G25D.
Identifiers: ClinVar variation 1054936 (VCV001054936.11), dbSNP rs2112811070, ClinGen allele CA360763093.